The following is an entry in ClinVar:

ClinVar aggregate classification (germline): Uncertain significance (1 of 4 stars; one submission).

Conditions:
Majeed syndrome (MJDS). Also called: CHRONIC RECURRENT MULTIFOCAL OSTEOMYELITIS 1, WITH CONGENITAL DYSERYTHROPOIETIC ANEMIA, WITH OR WITHOUT NEUTROPHILIC DERMATOSIS; LPIN2-Related Majeed Syndrome. Identifiers: Orphanet 77297, MedGen C1864997, MONDO:0012316, OMIM 609628.

Allele frequency attached by ClinVar (database versions not stated): TOPMed below 0.00001; gnomAD 0.00001; ExAC 0.00002; gnomAD exomes 0.00002.

Submission:

Labcorp Genetics (formerly Invitae), Labcorp
Classification: Uncertain significance for Majeed syndrome. Last evaluated: 2023-08-24. Review status: criteria provided, single submitter. Criteria: Invitae Variant Classification Sherloc (09022015). Collection method: clinical testing. Allele origin: germline.
Comment: This sequence change replaces valine, which is neutral and non-polar, with isoleucine, which is neutral and non-polar, at codon 140 of the LPIN2 protein (p.Val140Ile). This variant is present in population databases (rs751024451, gnomAD 0.003%). This missense change has been observed in individual(s) with pyroderma gangrenosum and aseptic abcess syndrome (PMID: 29387759). ClinVar contains an entry for this variant (Variation ID: 1511613). Advanced modeling of protein sequence and biophysical properties (such as structural, functional, and spatial information, amino acid conservation, physicochemical variation, residue mobility, and thermodynamic stability) performed at Invitae indicates that this missense variant is not expected to disrupt LPIN2 protein function. In summary, the available evidence is currently insufficient to determine the role of this variant in disease. Therefore, it has been classified as a Variant of Uncertain Significance.

Literature cited by the submitters: PubMed 29387759.

NM_001375808.2(LPIN2):c.418G>A (p.Val140Ile)

Gene: LPIN2 (lipin 2; minus strand). Cytogenetic location: 18p11.31.
Variant type: single nucleotide variant.
Coding change: c.418G>A on transcript NM_001375808.2 (MANE Select); coding-DNA position 418, G replaced by A.
Protein change: p.Val140Ile; replaces valine 140 with isoleucine.
Molecular consequence: missense variant.
Genome position (GRCh38, 1-based): chr18:2,951,227, C>T on the plus strand (G>A on the coding strand, the complement: LPIN2 is on the minus strand). VCF-style: chr18-2951227-C-T. GRCh37 (hg19) VCF-style: chr18-2951225-C-T.
Other names: c.418G>A, p.Val140Ile (NM_001375809.1, NM_014646.2); short protein forms V140I.
Identifiers: ClinVar variation 1511613 (VCV001511613.6), dbSNP rs751024451, ClinGen allele CA8873560.